The following is an entry in ClinVar:

ClinVar aggregate classification (germline): Benign (1 of 4 stars; one submission).

Allele frequency attached by ClinVar (database versions not stated): gnomAD 0.35387 and 0.36192; TOPMed 0.36233; 1000 Genomes Project 30x 0.37758; 1000 Genomes Project 0.38578.
gnomAD v4.1: 55,090 of 151,706 alleles (36%); highest among the groups gnomAD compares: East Asian, 56%; 11,921 homozygotes.

Submission:

GeneDx
Classification: Benign. Last evaluated: 2018-06-19. Review status: criteria provided, single submitter. Criteria: GeneDx Variant Classification (06012015). Collection method: clinical testing. Allele origin: germline. Affected: yes.
Comment: This variant is considered likely benign or benign based on one or more of the following criteria: it is a conservative change, it occurs at a poorly conserved position in the protein, it is predicted to be benign by multiple in silico algorithms, and/or has population frequency not consistent with disease.

NM_183050.4(BCKDHB):c.742+182C>G

Gene: BCKDHB (branched chain keto acid dehydrogenase E1 subunit beta; plus strand). Cytogenetic location: 6q14.1.
Variant type: single nucleotide variant.
Coding change: c.742+182C>G on transcript NM_183050.4 (MANE Select); 182 bases into the intron after coding-DNA position 742, C replaced by G.
Molecular consequence: intron variant.
Genome position (GRCh38, 1-based): chr6:80,171,572, C>G. VCF-style: chr6-80171572-C-G. GRCh37 (hg19) VCF-style: chr6-80881289-C-G.
Other names: c.532+182C>G (NM_001318975.1); c.742+182C>G (NM_000056.5).
Identifiers: ClinVar variation 683389 (VCV000683389.1), dbSNP rs9343970, ClinGen allele CA142284299.